The following is an entry in ClinVar:

ClinVar aggregate classification (germline): Uncertain significance. Review status: criteria provided, multiple submitters, no conflicts (2 of 4 stars). 2 submissions from 2 submitters: Uncertain significance (2). Last evaluated 2024-08-19.

Conditions:
Febrile seizures, familial, 11 (FEB11). Also called: CONVULSIONS, FAMILIAL FEBRILE, 11. Identifiers: MedGen C3280734, MONDO:0024566, OMIM 614418.

Allele frequency attached by ClinVar (database versions not stated): ExAC 0.00002; gnomAD exomes 0.00002; TOPMed 0.00012; gnomAD 0.00013 and 0.00014.
gnomAD v4.1: 24 of 1,609,854 alleles (0.0015%); highest among the groups gnomAD compares: African/African-American, 0.032%; no homozygotes.

Submissions (2):

Ambry Genetics
Classification: Uncertain significance. Last evaluated: 2024-08-19. Review status: criteria provided, single submitter. Criteria: Ambry Variant Classification Scheme 2023. Collection method: clinical testing. Allele origin: germline.

Labcorp Genetics (formerly Invitae), Labcorp
Classification: Uncertain significance for Febrile seizures, familial, 11. Last evaluated: 2022-06-27. Review status: criteria provided, single submitter. Criteria: Invitae Variant Classification Sherloc (09022015). Collection method: clinical testing. Allele origin: germline.
Comment: In summary, the available evidence is currently insufficient to determine the role of this variant in disease. Therefore, it has been classified as a Variant of Uncertain Significance. Algorithms developed to predict the effect of missense changes on protein structure and function (SIFT, PolyPhen-2, Align-GVGD) all suggest that this variant is likely to be disruptive. ClinVar contains an entry for this variant (Variation ID: 1046558). This variant has not been reported in the literature in individuals affected with CPA6-related conditions. This variant is present in population databases (rs762000090, gnomAD 0.05%), and has an allele count higher than expected for a pathogenic variant. This sequence change replaces tryptophan, which is neutral and slightly polar, with cysteine, which is neutral and slightly polar, at codon 208 of the CPA6 protein (p.Trp208Cys).

NM_020361.5(CPA6):c.624G>T (p.Trp208Cys)

Gene: CPA6 (carboxypeptidase A6; minus strand). Cytogenetic location: 8q13.2.
Variant type: single nucleotide variant.
Coding change: c.624G>T on transcript NM_020361.5 (MANE Select); coding-DNA position 624, G replaced by T.
Protein change: p.Trp208Cys; replaces tryptophan 208 with cysteine.
Molecular consequence: missense variant.
Genome position (GRCh38, 1-based): chr8:67,506,799, C>A on the plus strand (G>T on the coding strand, the complement: CPA6 is on the minus strand). VCF-style: chr8-67506799-C-A. GRCh37 (hg19) VCF-style: chr8-68419034-C-A.
Other names: c.624G>T (NM_020361.4); short protein forms W208C.
Identifiers: ClinVar variation 1046558 (VCV001046558.9), dbSNP rs762000090, ClinGen allele CA4772919.